The following is an entry in ClinVar:

ClinVar aggregate classification (germline): Uncertain significance (1 of 4 stars; one submission).

Conditions:
TSC2-related disorder. Also called: TSC2-related condition; TSC2-Related Disorders.

gnomAD v4.1: 41 of 1,612,788 alleles (0.0025%); highest among the groups gnomAD compares: Non-Finnish European, 0.0031%; no homozygotes.

Submission:

PreventionGenetics, part of Exact Sciences
Classification: Uncertain significance for TSC2-related condition. Last evaluated: 2026-03-31. Review status: criteria provided, single submitter. Criteria: ACMG Guidelines, 2015. Collection method: clinical testing. Allele origin: germline.
Comment: The TSC2 c.3131+23G>A variant is predicted to interfere with splicing. This variant is predicted to alter splicing based on available splicing prediction programs (SpliceAI, Jaganathan et al. 2019. PubMed ID: 30661751). However, the use of computer prediction programs is not equivalent to functional evidence. To our knowledge, this variant has not been reported in the literature. This variant is reported in 0.0027% of alleles in individuals of European (Non-Finnish) descent in gnomAD. At this time, the clinical significance of this variant is uncertain due to the absence of conclusive functional and genetic evidence.

NM_000548.5(TSC2):c.3131+23G>A

Gene: TSC2 (TSC complex subunit 2; plus strand). Cytogenetic location: 16p13.3.
Variant type: single nucleotide variant.
Coding change: c.3131+23G>A on transcript NM_000548.5 (MANE Select); 23 bases into the intron after coding-DNA position 3131, G replaced by A.
Molecular consequence: intron variant.
Genome position (GRCh38, 1-based): chr16:2,079,219, G>A. VCF-style: chr16-2079219-G-A. GRCh37 (hg19) VCF-style: chr16-2129220-G-A.
Other names: c.1658+23G>A (NM_001406693.1, NM_001406690.1, NM_001406692.1 and 1 more transcripts); c.3092+23G>A (NM_001406667.1); c.3089+23G>A (NM_001406668.1); c.2531+23G>A (NM_001406680.1, NM_001406683.1, NM_001406682.1); c.2399+23G>A (NM_001406687.1, NM_001318831.2, NM_001406688.1); c.1787+23G>A (NM_001406689.1); c.1655+23G>A (NM_001406691.1, NM_001406697.1, NM_001406695.1 and 1 more transcripts); c.1397+23G>A (NM_001406698.1); and 18 more.
Identifiers: ClinVar variation 4988705 (VCV004988705.1).